The following is an entry in ClinVar:

ClinVar aggregate classification (germline): Uncertain significance (1 of 4 stars; one submission).

Conditions:
Short-rib thoracic dysplasia 14 with polydactyly (SRTD14). Identifiers: Orphanet 397715, MedGen C4225286, MONDO:0014688, OMIM 616546.
Joubert syndrome 23 (JBTS23). Identifiers: Orphanet 475, MedGen C4084822, MONDO:0014664, OMIM 616490.

Allele frequency attached by ClinVar (database versions not stated): gnomAD exomes below 0.00001; TOPMed 0.00002.
gnomAD v4.1: 6 of 1,400,142 alleles (0.00043%); highest among the groups gnomAD compares: Admixed American, 0.0056%; no homozygotes.

Submission:

Labcorp Genetics (formerly Invitae), Labcorp
Classification: Uncertain significance for Joubert syndrome 23; Short-rib thoracic dysplasia 14 with polydactyly. Last evaluated: 2025-03-17. Review status: criteria provided, single submitter. Criteria: Invitae Variant Classification Sherloc (09022015). Collection method: clinical testing. Allele origin: germline.
Comment: This sequence change falls in intron 31 of the KIAA0586 gene. It does not directly change the encoded amino acid sequence of the KIAA0586 protein. It affects a nucleotide within the consensus splice site. This variant is not present in population databases (gnomAD no frequency). This variant has not been reported in the literature in individuals affected with KIAA0586-related conditions. ClinVar contains an entry for this variant (Variation ID: 1517383). Variants that disrupt the consensus splice site are a relatively common cause of aberrant splicing (PMID: 17576681, 9536098). Algorithms developed to predict the effect of sequence changes on RNA splicing suggest that this variant is not likely to affect RNA splicing. In summary, the available evidence is currently insufficient to determine the role of this variant in disease. Therefore, it has been classified as a Variant of Uncertain Significance.

Literature cited by the submitters: PubMed 17576681; PubMed 9536098.

NM_001329943.3(KIAA0586):c.4429+4A>G

Gene: KIAA0586 (KIAA0586; plus strand). Cytogenetic location: 14q23.1.
Variant type: single nucleotide variant.
Coding change: c.4429+4A>G on transcript NM_001329943.3 (MANE Select); 4 bases into the intron after coding-DNA position 4429, A replaced by G.
Molecular consequence: intron variant.
Genome position (GRCh38, 1-based): chr14:58,512,631, A>G. VCF-style: chr14-58512631-A-G. GRCh37 (hg19) VCF-style: chr14-58979349-A-G.
Other names: c.4588+4A>G (NM_001244189.2); c.4384+4A>G (NM_001244190.2); c.4297+4A>G (NM_001244192.2, NM_001329947.2); c.4174+4A>G (NM_001244191.2, NM_001364701.2, NM_001329945.2 and 1 more transcripts); c.4429+4A>G (NM_001329944.2, NM_001329946.2); c.4201+4A>G (NM_014749.5); c.4009+4A>G (NM_001244193.2).
Identifiers: ClinVar variation 1517383 (VCV001517383.4), dbSNP rs1017273332, ClinGen allele CA262034276.